The following is an entry in ClinVar:

ClinVar aggregate classification (germline): Uncertain significance. Review status: criteria provided, multiple submitters, no conflicts (2 of 4 stars). 2 submissions from 2 submitters: Uncertain significance (2). Last evaluated 2025-06-11.

Conditions:
Age related macular degeneration 1 (ARMD1). Also called: MACULOPATHY, AGE-RELATED, 1. Identifiers: MedGen C1864205, MONDO:0011285, OMIM 603075.

Allele frequency attached by ClinVar (database versions not stated): gnomAD below 0.00001 and 0.00001.
gnomAD v4.1: 2 of 1,613,250 alleles (0.00012%); highest among the groups gnomAD compares: South Asian, 0.0011%; no homozygotes.

Submissions (2):

Labcorp Genetics (formerly Invitae), Labcorp
Classification: Uncertain significance. Last evaluated: 2025-06-11. Review status: criteria provided, single submitter. Criteria: Invitae Variant Classification Sherloc (09022015). Collection method: clinical testing. Allele origin: germline.
Comment: This sequence change replaces glutamine, which is neutral and polar, with glutamic acid, which is acidic and polar, at codon 1174 of the HMCN1 protein (p.Gln1174Glu). This variant is not present in population databases (gnomAD no frequency). This variant has not been reported in the literature in individuals affected with HMCN1-related conditions. ClinVar contains an entry for this variant (Variation ID: 875502). An algorithm developed to predict the effect of missense changes on protein structure and function (PolyPhen-2) suggests that this variant is likely to be disruptive. In summary, the available evidence is currently insufficient to determine the role of this variant in disease. Therefore, it has been classified as a Variant of Uncertain Significance.

Illumina Laboratory Services, Illumina
Classification: Uncertain significance for Age related macular degeneration 1. Last evaluated: 2018-01-12. Review status: criteria provided, single submitter. Criteria: ICSL Variant Classification Criteria 13 December 2019. Collection method: clinical testing. Allele origin: germline.

NM_031935.3(HMCN1):c.3520C>G (p.Gln1174Glu)

Gene: HMCN1 (hemicentin 1; plus strand). Cytogenetic location: 1q31.1.
Variant type: single nucleotide variant.
Coding change: c.3520C>G on transcript NM_031935.3 (MANE Select); coding-DNA position 3520, C replaced by G.
Protein change: p.Gln1174Glu; replaces glutamine 1174 with glutamic acid.
Molecular consequence: missense variant.
Genome position (GRCh38, 1-based): chr1:185,994,829, C>G. VCF-style: chr1-185994829-C-G. GRCh37 (hg19) VCF-style: chr1-185963961-C-G.
Other names: short protein forms Q1174E.
Identifiers: ClinVar variation 875502 (VCV000875502.5), dbSNP rs1468012804, ClinGen allele CA343870567.